The following is an entry in ClinVar:

ClinVar aggregate classification (germline): Uncertain significance (1 of 4 stars; one submission).

Conditions:
Hereditary cancer-predisposing syndrome. Also called: Hereditary neoplastic syndrome; Neoplastic Syndromes, Hereditary; Tumor predisposition; Hereditary Cancer Syndrome. Identifiers: Orphanet 140162, MedGen C0027672, MeSH D009386, MONDO:0015356.

Submission:

Ambry Genetics
Classification: Uncertain significance for Hereditary cancer-predisposing syndrome. Last evaluated: 2025-08-27. Review status: criteria provided, single submitter. Criteria: Ambry Variant Classification Scheme 2023. Collection method: clinical testing. Allele origin: germline.
Comment: The p.K155N variant (also known as c.465G>C), located in coding exon 6 of the MUTYH gene, results from a G to C substitution at nucleotide position 465. The lysine at codon 155 is replaced by asparagine, an amino acid with similar properties. This amino acid position is conserved. In addition, this alteration is predicted to be tolerated by in silico analysis. Based on the available evidence, the clinical significance of this variant remains unclear.

NM_001048174.2(MUTYH):c.381G>C (p.Lys127Asn)

Gene: MUTYH (mutY DNA glycosylase; minus strand). Cytogenetic location: 1p34.1.
Variant type: single nucleotide variant.
Coding change: c.381G>C on transcript NM_001048174.2 (MANE Select); coding-DNA position 381, G replaced by C.
Protein change: p.Lys127Asn; replaces lysine 127 with asparagine.
Molecular consequence: missense variant. On other transcripts: non-coding transcript variant (6), intron variant (4).
Genome position (GRCh38, 1-based): chr1:45,332,957, C>G on the plus strand (G>C on the coding strand, the complement: MUTYH is on the minus strand). VCF-style: chr1-45332957-C-G. GRCh37 (hg19) VCF-style: chr1-45798629-C-G.
Other names: c.381G>C, p.Lys127Asn (NM_001048171.2, NM_001048173.2, NM_001293195.2 and 5 more transcripts); c.384G>C, p.Lys128Asn (NM_001048172.2, NM_001407071.1, NM_001407078.1 and 1 more transcripts); c.465G>C, p.Lys155Asn (NM_001128425.2); c.426G>C, p.Lys142Asn (NM_001293190.2); c.414G>C, p.Lys138Asn (NM_001293191.2, NM_001407077.1); c.105G>C, p.Lys35Asn (NM_001293192.2, NM_001293196.2, NM_001407091.1); c.36G>C, p.Lys12Asn (NM_001350650.2, NM_001350651.2, NM_001407082.1); c.297G>C, p.Lys99Asn (NM_001407075.1); and 7 more; short protein forms K127N, K128N, K12N, K141N, K35N, K138N, K152N, K134N.
Identifiers: ClinVar variation 4113672 (VCV004113672.1).